The following is an entry in ClinVar:

NM_000548.5(TSC2):c.5024C>T (p.Pro1675Leu)

Gene: TSC2 (TSC complex subunit 2; plus strand). Cytogenetic location: 16p13.3.
Variant type: single nucleotide variant.
Coding change: c.5024C>T on transcript NM_000548.5 (MANE Select); coding-DNA position 5024, C replaced by T.
Protein change: p.Pro1675Leu; replaces proline 1675 with leucine.
Molecular consequence: missense variant.
Genome position (GRCh38, 1-based): chr16:2,087,897, C>T. VCF-style: chr16-2087897-C-T. GRCh37 (hg19) VCF-style: chr16-2137898-C-T.
Other names: c.5024C>T (NM_000548.4); c.4823C>T, p.Pro1608Leu (NM_001077183.3); c.4955C>T, p.Pro1652Leu (NM_001114382.3); c.4715C>T, p.Pro1572Leu (NM_001318827.2); c.4679C>T, p.Pro1560Leu (NM_001318829.2); c.4292C>T, p.Pro1431Leu (NM_001318831.2); c.4856C>T, p.Pro1619Leu (NM_001318832.2); c.4826C>T, p.Pro1609Leu (NM_001363528.2); and 3 more; short protein forms P1675L, P1631L, P1431L, P1572L, P1619L, P1632L, P1560L, P1608L.
Identifiers: ClinVar variation 12393 (VCV000012393.53), dbSNP rs45483392, ClinGen allele CA021526.
Genomic context (GRCh38, chr16:2,087,897, plus strand): 5'-GATGACCCTTTCTCTTGTCCGGGCAGGGCCAGTTCAACTTTGTCCACGTGATCGTCACCC[C>T]GCTGGACTACGAGTGCAACCTGGTGTCCCTGCAGTGCAGGAAAGGTAGGGCCGGGTGGGG-3'
Protein context (NP_000539.2, residues 1665-1685): QFNFVHVIVT[Pro1675Leu]LDYECNLVSL

ClinVar aggregate classification (germline): Pathogenic. Review status: criteria provided, multiple submitters, no conflicts (2 of 4 stars). 22 submissions from 21 submitters: Pathogenic (18). 4 of the submissions do not count toward it. Last evaluated 2025-10-02.

Conditions:
Tuberous sclerosis 2 (TSC2). Identifiers: Orphanet 805, MedGen C1860707, MONDO:0013199, OMIM 613254.
Isolated focal cortical dysplasia type II (FCORD2). Also called: CORTICAL DYSPLASIA OF TAYLOR; Focal cortical dysplasia type II. Identifiers: Orphanet 268994, MedGen C1846385, MONDO:0011818, OMIM 607341, HP:0032051.
Lymphangiomyomatosis (LAM). Also called: Lymphangioleiomyomatosis, somatic; Lymphangioleiomyomatosis. Identifiers: Orphanet 538, MedGen C0751674, MONDO:0011705, OMIM 606690.
TSC2-related disorder. Also called: TSC2-Related Disorders; TSC2-related condition.
Hereditary cancer-predisposing syndrome. Also called: Neoplastic Syndromes, Hereditary; Tumor predisposition; Hereditary Cancer Syndrome; Hereditary neoplastic syndrome. Identifiers: Orphanet 140162, MedGen C0027672, MeSH D009386, MONDO:0015356.
Tuberous sclerosis syndrome (TSC). Also called: Tuberous sclerosis; Tuberous Sclerosis Complex. Identifiers: Orphanet 805, MedGen C0041341, MONDO:0001734.

Submissions 1 to 13 of 22:

Labcorp Genetics (formerly Invitae), Labcorp
Classification: Pathogenic for Tuberous sclerosis 2. Last evaluated: 2025-10-02. Review status: criteria provided, single submitter. Criteria: Invitae Variant Classification Sherloc (09022015). Collection method: clinical testing. Allele origin: germline.
Comment: This sequence change replaces proline, which is neutral and non-polar, with leucine, which is neutral and non-polar, at codon 1675 of the TSC2 protein (p.Pro1675Leu). This variant is not present in population databases (gnomAD no frequency). This missense change has been observed in individual(s) with tuberous sclerosis complex (TSC) (PMID: 9302281, 9463313, 10570911, 11112665, 11520734, 12111193, 15024740, 21520333, 22867869). In at least one individual the variant was observed to be de novo. Invitae Evidence Modeling of clinical and family history, age, sex, and reported ancestry of multiple individuals with this TSC2 variant has been performed. This variant is expected to be pathogenic with a positive predictive value of at least 99%. This is a validated machine learning model that incorporates the clinical features of 1,224,362 individuals referred to our laboratory for TSC2 testing. This variant is also known as 5042C>T and P1657L. ClinVar contains an entry for this variant (Variation ID: 12393). Invitae Evidence Modeling of protein sequence and biophysical properties (such as structural, functional, and spatial information, amino acid conservation, physicochemical variation, residue mobility, and thermodynamic stability) indicates that this missense variant is expected to disrupt TSC2 protein function with a positive predictive value of 95%. Experimental studies have shown that this missense change affects TSC2 function (PMID: 11290735, 22903760). For these reasons, this variant has been classified as Pathogenic.

Dasa
Classification: Pathogenic for Tuberous sclerosis 2. Last evaluated: 2025-06-20. Review status: criteria provided, single submitter. Criteria: DASA Assertion Criteria. Collection method: clinical testing. Allele origin: germline.
Comment: NM_000548.5(TSC2):c.5024C>T (p.Pro1675Leu) introduces a proline-to-leucine substitution at a residue with other pathogenic substitutions, supported by functional studies and recurrent observation in individuals with tuberous sclerosis complex (PMID: 11290735). Based on the available data, this variant is classified as pathogenic.

Institute of Medical Genetics and Applied Genomics, University Hospital Tübingen
Classification: Pathogenic for Tuberous sclerosis 2. Last evaluated: 2025-01-21. Review status: criteria provided, single submitter. Criteria: ACMG Guidelines, 2015. Collection method: clinical testing. Allele origin: de novo. Inheritance: Autosomal dominant inheritance. Affected: yes.

Genomic Medicine Center of Excellence, King Faisal Specialist Hospital and Research Centre
Classification: Pathogenic for Tuberous sclerosis 2. Last evaluated: 2025-01-04. Review status: criteria provided, single submitter. Criteria: ACMG Guidelines, 2015. Collection method: clinical testing. Allele origin: germline.

Cambridge Genomics Laboratory, East Genomic Laboratory Hub, NHS Genomic Medicine Service
Classification: Pathogenic for Tuberous sclerosis. Last evaluated: 2024-08-29. Review status: criteria provided, single submitter. Criteria: ACGS Best Practice Guidelines for Variant Classification in Rare Disease 2020. Collection method: clinical testing. Allele origin: germline. Affected: yes.
Comment: PS3_Supporting,PS4_Moderate,PM2,PM6_Strong,PP3

CeGaT Center for Human Genetics Tuebingen
Classification: Pathogenic. Last evaluated: 2023-12-01. Review status: criteria provided, single submitter. Criteria: CeGaT Center For Human Genetics Tuebingen Variant Classification Criteria Version 2. Collection method: clinical testing. Allele origin: germline. Affected: yes. Observed: 1 variant allele.
Comment: TSC2: PS2:Very Strong, PM2, PS4:Moderate, PP3, PS3:Supporting

Athena Diagnostics
Classification: Pathogenic. Last evaluated: 2023-08-21. Review status: criteria provided, single submitter. Criteria: Athena Diagnostics Criteria. Collection method: clinical testing. Allele origin: unknown.
Comment: This variant has been identified in multiple unrelated individuals with clinical features associated with this gene, including both familial and de novo cases. This variant has not been reported in large, multi-ethnic general populations. Assessment of experimental evidence suggests this variant results in abnormal protein function. (PMID: 11290735, 22903760)

Ambry Genetics
Classification: Pathogenic for Hereditary cancer-predisposing syndrome. Last evaluated: 2023-03-08. Review status: criteria provided, single submitter. Criteria: Ambry Variant Classification Scheme 2023. Collection method: clinical testing. Allele origin: germline.
Comment: The p.P1675L pathogenic mutation (also known as c.5024C>T), located in coding exon 38 of the TSC2 gene, results from a C to T substitution at nucleotide position 5024. The proline at codon 1675 is replaced by leucine, an amino acid with similar properties. This alteration has been found in multiple individuals who met diagnostic criteria for tuberous sclerosis complex (Ambry internal data; Feng JH et al. Hum. Mutat., 2004 Apr;23:397; Maheshwar MM et al. Hum. Mol. Genet.,1997 Oct;6:1991-6). In addition, in functional studies of the alteration, it was found that the TSC2 signal was significantly reduced compared to the wild-typed TSC1-TSC2 control (Hoogeveen-Westerveld M et al. Hum. Mutat., 2013 Jan;34:167-75). Lastly, further functional studies of this alteration demonstratedreduced phosphorylation and impaired interaction with hamartin (Aicher LD et al. J. Biol. Chem., 2001 Jun;276:21017-21). This variant is considered to be rare based on population cohorts in the Genome Aggregation Database (gnomAD). Based on the supporting evidence, this alteration is interpreted as a disease-causing mutation.

Division of Genomic Medicine, Department of Advanced Medicine, Medical Research Institute, Kanazawa Medical University
Classification: Pathogenic for Tuberous sclerosis 2. Last evaluated: 2022-07-19. Review status: criteria provided, single submitter. Criteria: ACMG Guidelines, 2015. Collection method: clinical testing. Allele origin: germline. Affected: yes. Observed: 1 variant allele.
Comment: According to ACMG GL 2015, well-established in vitro functional studies supportive of a damaging effect of this variant (PS3), located in the GAP domain (PM1), absent from controls (PM2), assumed de novo (PM6). Multiple lines of computational evidence support a deleterious effect (PP3), and detected in the patient with clinically definitive tuberous sclerosis complex (PP4) and also reported as pathogenic in LOVD database (PP5).

3billion
Classification: Pathogenic for Tuberous sclerosis 2. Last evaluated: 2022-03-22. Review status: criteria provided, single submitter. Criteria: ACMG Guidelines, 2015. Collection method: clinical testing. Allele origin: germline. Affected: yes. Observed: 1 heterozygote.
Comment: The variant has been observed in multiple (>3) similarly affected unrelated individuals (PMID: 9302281, 11520734, 12111193). Functional studies provide strong evidence of the variant having a damaging effect on the gene or gene product (PMID: 22903760, 11290735). In silico tool predictions suggest damaging effect of the variant on gene or gene product (REVEL: 0.965>=0.6, 3CNET: 0.939>=0.75). It is not observed in the gnomAD v2.1.1 dataset. A different missense change at the same codon has been reported as pathogenic/likely pathogenic with strong evidence (ClinVar ID: VCV000535873). Therefore, this variant is classified as pathogenic according to the recommendation of ACMG/AMP guideline.

Revvity Omics, Revvity
Classification: Pathogenic for Tuberous sclerosis 2. Last evaluated: 2022-03-14. Review status: criteria provided, single submitter. Criteria: ACMG Guidelines, 2015. Collection method: clinical testing. Allele origin: germline.

Institute for Clinical Genetics, University Hospital TU Dresden, University Hospital TU Dresden
Classification: Pathogenic. Last evaluated: 2021-11-18. Review status: criteria provided, single submitter. Criteria: ACMG Guidelines, 2015. Collection method: clinical testing. Allele origin: de novo.

Genome-Nilou Lab
Classification: Pathogenic for Tuberous sclerosis 2. Last evaluated: 2021-11-07. Review status: criteria provided, single submitter. Criteria: ACMG Guidelines, 2015. Collection method: clinical testing. Allele origin: germline. Affected: no.